The following is an entry in ClinVar:

NM_005359.6(SMAD4):c.905-3T>G

Gene: SMAD4 (SMAD family member 4; plus strand). Cytogenetic location: 18q21.2.
Variant type: single nucleotide variant.
Coding change: c.905-3T>G on transcript NM_005359.6 (MANE Select); 3 bases into the intron before coding-DNA position 905, T replaced by G.
Molecular consequence: intron variant.
Genome position (GRCh38, 1-based): chr18:51,059,863, T>G. VCF-style: chr18-51059863-T-G. GRCh37 (hg19) VCF-style: chr18-48586233-T-G.
Other names: c.905-3T>G (NM_005359.5).
Identifiers: ClinVar variation 1709872 (VCV001709872.5), dbSNP rs746836038, ClinGen allele CA2580095847.

ClinVar aggregate classification (germline): Uncertain significance. Review status: criteria provided, multiple submitters, no conflicts (2 of 4 stars). 3 submissions from 3 submitters: Uncertain significance (3). Last evaluated 2026-03-20.

Conditions:
Hereditary cancer-predisposing syndrome. Also called: Hereditary Cancer Syndrome; Neoplastic Syndromes, Hereditary; Hereditary neoplastic syndrome; Tumor predisposition. Identifiers: Orphanet 140162, MedGen C0027672, MeSH D009386, MONDO:0015356.
Familial thoracic aortic aneurysm and aortic dissection (TAAD). Also called: Thoracic aortic aneurysms and dissections. Identifiers: Orphanet 91387, MedGen C4707243, MONDO:0019625.
Juvenile polyposis syndrome (JPS). Identifiers: Orphanet 2929, MedGen C0345893, MONDO:0017380, OMIM 174900.

Submissions (3):

Ambry Genetics
Classification: Uncertain significance for Hereditary cancer-predisposing syndrome; Familial thoracic aortic aneurysm and aortic dissection. Last evaluated: 2026-03-20. Review status: criteria provided, single submitter. Criteria: Ambry Variant Classification Scheme 2023. Collection method: clinical testing. Allele origin: germline.
Comment: The c.905-3T>G intronic variant results from a T to G substitution 3 nucleotides upstream from coding exon 7 in the SMAD4 gene. This nucleotide position is not well conserved in available vertebrate species. In silico splice site analysis for this alteration is inconclusive. Based on the available evidence, the clinical significance of this variant remains unclear.

Labcorp Genetics (formerly Invitae), Labcorp
Classification: Uncertain significance for Juvenile polyposis syndrome. Last evaluated: 2024-07-19. Review status: criteria provided, single submitter. Criteria: Invitae Variant Classification Sherloc (09022015). Collection method: clinical testing. Allele origin: germline.
Comment: This sequence change falls in intron 7 of the SMAD4 gene. It does not directly change the encoded amino acid sequence of the SMAD4 protein. It affects a nucleotide within the consensus splice site. This variant is not present in population databases (gnomAD no frequency). This variant has not been reported in the literature in individuals affected with SMAD4-related conditions. ClinVar contains an entry for this variant (Variation ID: 1709872). Variants that disrupt the consensus splice site are a relatively common cause of aberrant splicing (PMID: 17576681, 9536098). RNA analysis performed to evaluate the impact of this variant on mRNA splicing indicates it does not significantly alter splicing (Invitae). In summary, the available evidence is currently insufficient to determine the role of this variant in disease. Therefore, it has been classified as a Variant of Uncertain Significance.

MGZ Medical Genetics Center
Classification: Uncertain significance for Juvenile polyposis syndrome. Last evaluated: 2021-08-17. Review status: criteria provided, single submitter. Criteria: ACMG Guidelines, 2015. Collection method: clinical testing. Allele origin: germline. Affected: yes. Observed: 1 variant allele.
Comment: ACMG criteria applied: PM2_SUP, PP3

Literature cited by the submitters: PubMed 17576681 (cited by Labcorp Genetics (formerly Invitae), Labcorp); PubMed 9536098 (cited by Labcorp Genetics (formerly Invitae), Labcorp).